The following is an entry in ClinVar:

NM_000318.3(PEX2):c.79_80del (p.Lys27fs)

Gene: PEX2 (peroxisomal biogenesis factor 2; minus strand). Cytogenetic location: 8q21.13.
Variant type: Deletion.
Coding change: c.79_80del on transcript NM_000318.3 (MANE Select); coding-DNA positions 79 to 80, 2 bases deleted (AA; older notation c.79_80delAA).
Protein change: p.Lys27fs; shifts the reading frame from lysine 27.
Molecular consequence: frameshift variant.
Genome position (GRCh38, 1-based): chr8:76,984,099-76,984,100, TT deleted on the plus strand (AA on the coding strand, the reverse complement: PEX2 is on the minus strand). VCF-style (leftmost placement, unchanged base first): chr8-76984098-CTT-C. GRCh37 (hg19) VCF-style: chr8-77896334-CTT-C.
Other names: c.79_80del, p.Lys27fs (NM_001079867.2, NM_001172086.2, NM_001172087.2); c.79_80del (NM_000318.2); short protein forms K27fs.
Identifiers: ClinVar variation 1072641 (VCV001072641.10), dbSNP rs1261498405, ClinGen allele CA583367325.
Genomic context (GRCh38, chr8:76,984,098, plus strand): 5'-CCCAGGTTTAAATCCATGAAAGCACTGAGTAAACTGGGACCAAACTAGCTGCTCCAGGGC[CTT>C]GTTTAGTTCAAGTGCATCCAACTGGCTTATTCTTAGCACTCTGTTTGCACTCTTCGCATT-3'

ClinVar aggregate classification (germline): Pathogenic/Likely pathogenic. Review status: criteria provided, multiple submitters, no conflicts (2 of 4 stars). 2 submissions from 2 submitters: Pathogenic (1); Likely pathogenic (1). Last evaluated 2023-12-05.

Conditions:
Peroxisome biogenesis disorder 5A (Zellweger) (PBD5A). Identifiers: Orphanet 912, MedGen C3553940, MONDO:0013932, OMIM 614866.

Allele frequency attached by ClinVar (database versions not stated): gnomAD exomes below 0.00001; TOPMed below 0.00001.

Submissions (2):

Baylor Genetics
Classification: Likely pathogenic for Peroxisome biogenesis disorder 5A (Zellweger). Last evaluated: 2023-12-05. Review status: criteria provided, single submitter. Criteria: ACMG Guidelines, 2015. Collection method: clinical testing. Allele origin: unknown.

Labcorp Genetics (formerly Invitae), Labcorp
Classification: Pathogenic for Peroxisome biogenesis disorder 5A (Zellweger). Last evaluated: 2023-07-14. Review status: criteria provided, single submitter. Criteria: Invitae Variant Classification Sherloc (09022015). Collection method: clinical testing. Allele origin: germline.
Comment: This variant disrupts a region of the PEX2 protein in which other variant(s) (p.Arg119*) have been determined to be pathogenic (PMID: 1546315, 7681622, 9452066, 9585609, 10528859, 21465523). This suggests that this is a clinically significant region of the protein, and that variants that disrupt it are likely to be disease-causing. For these reasons, this variant has been classified as Pathogenic. ClinVar contains an entry for this variant (Variation ID: 1072641). This variant has not been reported in the literature in individuals affected with PEX2-related conditions. This variant is present in population databases (no rsID available, gnomAD 0.0009%). This sequence change creates a premature translational stop signal (p.Lys27Glyfs*18) in the PEX2 gene. While this is not anticipated to result in nonsense mediated decay, it is expected to disrupt the last 279 amino acid(s) of the PEX2 protein.

Literature cited by the submitters: PubMed 1546315 (cited by Labcorp Genetics (formerly Invitae), Labcorp); PubMed 7681622 (cited by Labcorp Genetics (formerly Invitae), Labcorp); PubMed 9452066 (cited by Labcorp Genetics (formerly Invitae), Labcorp); PubMed 9585609 (cited by Labcorp Genetics (formerly Invitae), Labcorp); PubMed 10528859 (cited by Labcorp Genetics (formerly Invitae), Labcorp); PubMed 21465523 (cited by Labcorp Genetics (formerly Invitae), Labcorp).